The following is an entry in ClinVar:

NM_000098.3(CPT2):c.1190T>A (p.Val397Asp)

Gene: CPT2 (carnitine palmitoyltransferase 2; plus strand). Cytogenetic location: 1p32.3.
Variant type: single nucleotide variant.
Coding change: c.1190T>A on transcript NM_000098.3 (MANE Select); coding-DNA position 1190, T replaced by A.
Protein change: p.Val397Asp; replaces valine 397 with aspartic acid.
Molecular consequence: missense variant.
Genome position (GRCh38, 1-based): chr1:53,210,864, T>A. VCF-style: chr1-53210864-T-A. GRCh37 (hg19) VCF-style: chr1-53676536-T-A.
Other names: c.1190T>A, p.Val397Asp (NM_001330589.2); short protein forms V397D.
Identifiers: ClinVar variation 1429111 (VCV001429111.6), dbSNP rs2100273766, ClinGen allele CA340394710.

ClinVar aggregate classification (germline): Uncertain significance (1 of 4 stars; one submission).

Conditions:
Carnitine palmitoyltransferase II deficiency. Also called: Carnitine Palmitoyltransferase 2 Deficiency. Identifiers: Orphanet 157, MedGen C0342790, MONDO:0015515.

Submission:

Labcorp Genetics (formerly Invitae), Labcorp
Classification: Uncertain significance for Carnitine palmitoyltransferase II deficiency. Last evaluated: 2022-07-19. Review status: criteria provided, single submitter. Criteria: Invitae Variant Classification Sherloc (09022015). Collection method: clinical testing. Allele origin: germline.
Comment: This sequence change replaces valine, which is neutral and non-polar, with aspartic acid, which is acidic and polar, at codon 397 of the CPT2 protein (p.Val397Asp). This variant is not present in population databases (gnomAD no frequency). This variant has not been reported in the literature in individuals affected with CPT2-related conditions. ClinVar contains an entry for this variant (Variation ID: 1429111). Advanced modeling of protein sequence and biophysical properties (such as structural, functional, and spatial information, amino acid conservation, physicochemical variation, residue mobility, and thermodynamic stability) performed at Invitae indicates that this missense variant is not expected to disrupt CPT2 protein function. In summary, the available evidence is currently insufficient to determine the role of this variant in disease. Therefore, it has been classified as a Variant of Uncertain Significance.